The following is an entry in ClinVar:

NM_015080.4(NRXN2):c.5092A>T (p.Thr1698Ser)

Gene: NRXN2 (neurexin 2; minus strand). Cytogenetic location: 11q13.1.
Variant type: single nucleotide variant.
Coding change: c.5092A>T on transcript NM_015080.4 (MANE Select); coding-DNA position 5092, A replaced by T.
Protein change: p.Thr1698Ser; replaces threonine 1698 with serine.
Molecular consequence: missense variant.
Genome position (GRCh38, 1-based): chr11:64,607,243, T>A on the plus strand (A>T on the coding strand, the complement: NRXN2 is on the minus strand). VCF-style: chr11-64607243-T-A. GRCh37 (hg19) VCF-style: chr11-64374715-T-A.
Other names: c.4510A>T, p.Thr1504Ser (NM_001376262.1); c.4489A>T, p.Thr1497Ser (NM_001376263.1); c.4465A>T, p.Thr1489Ser (NM_001376265.1); c.4486A>T, p.Thr1496Ser (NM_001376266.1); c.4399A>T, p.Thr1467Ser (NM_001376267.1); c.1135A>T, p.Thr379Ser (NM_001400681.1); c.1045A>T, p.Thr349Ser (NM_001400682.1); c.4882A>T, p.Thr1628Ser (NM_138732.3); and 1 more; short protein forms T1467S, T1489S, T1496S, T1497S, T1504S, T1628S, T1698S, T349S.
Identifiers: ClinVar variation 4875185 (VCV004875185.2).

ClinVar aggregate classification (germline): Uncertain significance (1 of 4 stars; one submission).

Submission:

CeGaT Center for Human Genetics Tuebingen
Classification: Uncertain significance. Last evaluated: 2026-06-01. Review status: criteria provided, single submitter. Criteria: CeGaT Center For Human Genetics Tuebingen Variant Classification Criteria Version 2. Collection method: clinical testing. Allele origin: germline. Affected: yes. Observed: 1 variant allele.
Comment: NRXN2: PM2, BP4